The following is an entry in ClinVar:

ClinVar aggregate classification (germline): Uncertain significance (1 of 4 stars; one submission).

Submission:

GeneDx
Classification: Uncertain significance. Last evaluated: 2025-03-25. Review status: criteria provided, single submitter. Criteria: GeneDx Variant Classification Process June 2021. Collection method: clinical testing. Allele origin: germline. Affected: yes.
Comment: Not observed at significant frequency in large population cohorts (gnomAD); In silico analysis indicates that this variant does not alter protein structure/function; Has not been previously published as pathogenic or benign to our knowledge

NM_001163809.2(WDR81):c.2213_2214delinsAA (p.Gly738Glu)

Gene: WDR81 (WD repeat domain 81; plus strand). Cytogenetic location: 17p13.3.
Variant type: Indel.
Coding change: c.2213_2214delinsAA on transcript NM_001163809.2 (MANE Select); coding-DNA positions 2213 to 2214, GC replaced by AA.
Protein change: p.Gly738Glu; replaces glycine 738 with glutamic acid.
Molecular consequence: missense variant. On other transcripts: intron variant (3).
Genome position (GRCh38, 1-based): chr17:1,727,172-1,727,173, GC replaced by AA. VCF-style: chr17-1727172-GC-AA. GRCh37 (hg19) VCF-style: chr17-1630466-GC-AA.
Other names: c.-123-818_-123-817delinsAA (NM_152348.4); c.59-3208_59-3207delinsAA (NM_001163673.2); c.-15+2386_-15+2387delinsAA (NM_001163811.2); short protein forms G738E.
Identifiers: ClinVar variation 4088002 (VCV004088002.1).